The following is an entry in ClinVar:

NM_000487.6(ARSA):c.881G>A (p.Gly294Asp)

Gene: ARSA (arylsulfatase A; minus strand). Cytogenetic location: 22q13.33.
Variant type: single nucleotide variant.
Coding change: c.881G>A on transcript NM_000487.6 (MANE Select); coding-DNA position 881, G replaced by A.
Protein change: p.Gly294Asp; replaces glycine 294 with aspartic acid.
Molecular consequence: missense variant.
Genome position (GRCh38, 1-based): chr22:50,626,252, C>T on the plus strand (G>A on the coding strand, the complement: ARSA is on the minus strand). VCF-style: chr22-50626252-C-T. GRCh37 (hg19) VCF-style: chr22-51064680-C-T.
Other names: c.881G>A, p.Gly294Asp (NM_001085425.3, NM_001085426.3, NM_001085427.3); c.623G>A, p.Gly208Asp (NM_001085428.3, NM_001362782.2); short protein forms G208D, G294D.
Identifiers: ClinVar variation 5010152 (VCV005010152.1).

ClinVar aggregate classification (germline): Uncertain significance (1 of 4 stars; one submission).

Conditions:
Metachromatic leukodystrophy (MLD). Also called: ARSA DEFICIENCY; CEREBROSIDE SULFATASE DEFICIENCY; METACHROMATIC LEUKOENCEPHALOPATHY; SULFATIDE LIPIDOSIS; Cerebral sclerosis diffuse metachromatic form; Arylsulfatase A Deficiency. Identifiers: Orphanet 512, MedGen C0023522, MONDO:0018868, OMIM 250100.

Submission:

Myriad Genetics, Inc.
Classification: Uncertain significance for Metachromatic leukodystrophy. Last evaluated: 2026-04-09. Review status: criteria provided, single submitter. Criteria: Myriad Autosomal Dominant, Autosomal Recessive and X-Linked Classification Criteria (2023). Collection method: clinical testing. Allele origin: unknown.
Comment: NM_000487.5(ARSA):c.881G>A(G294D) is a missense variant classified as a variant of uncertain significance in the context of metachromatic leukodystrophy. G294D has been observed in a case with relevant disease (PMID: 36041866). Relevant functional assessments of this variant are not available in the literature. G294D has not been observed in referenced population frequency databases. In summary, there is insufficient evidence to classify NM_000487.5(ARSA):c.881G>A(G294D) as pathogenic or benign. Please note: this variant was assessed in the context of healthy population screening.

Literature cited by the submitters: PubMed 36041866.